The following is an entry in ClinVar:

NM_001130987.2(DYSF):c.1150-43_1155delinsA

Gene: DYSF (dysferlin; plus strand). Cytogenetic location: 2p13.2.
Variant type: Indel.
Coding change: c.1150-43_1155delinsA on transcript NM_001130987.2 (MANE Select); 43 bases into the intron before coding-DNA position 1150 through coding-DNA position 1155, the reference bases replaced by A.
Molecular consequence: splice acceptor variant.
Genome position (GRCh38, 1-based): chr2:71,526,177-71,526,225, 49 bases replaced. GRCh37 (hg19): chr2:71,753,307-71,753,355.
Other names: c.1147-43_1152delinsA (NM_001130979.2, NM_001130981.2, NM_001130980.2); c.1054-43_1059delinsA (NM_001130978.2, NM_003494.4, NM_001130977.2 and 1 more transcripts); c.1150-43_1155delinsA (NM_001130982.2, NM_001130985.2); c.1057-43_1062delinsA (NM_001130983.2, NM_001130455.2, NM_001130984.2 and 1 more transcripts).
Identifiers: ClinVar variation 652000 (VCV000652000.6), dbSNP rs1573743003, ClinGen allele CA915944009.
Genomic context (GRCh38, chr2:71,526,177, plus strand): 5'-CAGAATGCAGCATTTATGTGGCGAAGCTGGAACTCTTAGAAAAGGAAAGTAAAACCCTGT[GCTCAGGAGCGCATGAAGGAATCGTATTTGGTTTTCTTTGTAGCTGGAG>A]AGAAAAGACCCCTCTGAAGACAAGGAGGACATTGAAAGCAACCTGCTCCGGCCCACAGGC-3'

ClinVar aggregate classification (germline): Likely pathogenic (1 of 4 stars; one submission).

Conditions:
Neuromuscular disease caused by qualitative or quantitative defects of dysferlin. Also called: Qualitative or quantitative defects of dysferlin; Dysferlinopathy. Identifiers: Orphanet 207073, MedGen C2931687, MONDO:0016145.

Submission:

Labcorp Genetics (formerly Invitae), Labcorp
Classification: Likely pathogenic for Neuromuscular disease caused by qualitative or quantitative defects of dysferlin. Last evaluated: 2019-05-29. Review status: criteria provided, single submitter. Criteria: Invitae Variant Classification Sherloc (09022015). Collection method: clinical testing. Allele origin: germline.
Comment: Donor and acceptor splice site variants typically lead to a loss of protein function (PMID: 16199547), and loss-of-function variants in DYSF are known to be pathogenic (PMID: 17698709, 20301480). In summary, the currently available evidence indicates that the variant is pathogenic, but additional data are needed to prove that conclusively. Therefore, this variant has been classified as Likely Pathogenic. This variant has not been reported in the literature in individuals with DYSF-related disease. This variant is not present in population databases (ExAC no frequency). This sequence change affects an acceptor splice site in intron 11 of the DYSF gene. It is expected to disrupt RNA splicing and likely results in an absent or disrupted protein product.

Literature cited by the submitters: PubMed 16199547; PubMed 17698709; PubMed 20301480.